The following is an entry in ClinVar:

ClinVar aggregate classification (germline): Uncertain significance (1 of 4 stars; one submission).

Conditions:
Inborn genetic diseases. Identifiers: MedGen C0950123, MeSH D030342.

Submission:

Ambry Genetics
Classification: Uncertain significance for Inborn genetic diseases. Last evaluated: 2025-12-09. Review status: criteria provided, single submitter. Criteria: Ambry Variant Classification Scheme 2023. Collection method: clinical testing. Allele origin: germline.
Comment: The p.D259E variant (also known as c.777C>A), located in coding exon 5 of the ELANE gene, results from a C to A substitution at nucleotide position 777. The aspartic acid at codon 259 is replaced by glutamic acid, an amino acid with highly similar properties. This amino acid position is conserved. In addition, this alteration is predicted to be tolerated by in silico analysis. Based on the available evidence, the clinical significance of this variant remains unclear.

NM_001972.4(ELANE):c.777C>A (p.Asp259Glu)

Gene: ELANE (elastase, neutrophil expressed; plus strand). Cytogenetic location: 19p13.3.
Variant type: single nucleotide variant.
Coding change: c.777C>A on transcript NM_001972.4 (MANE Select); coding-DNA position 777, C replaced by A.
Protein change: p.Asp259Glu; replaces aspartic acid 259 with glutamic acid.
Molecular consequence: missense variant.
Genome position (GRCh38, 1-based): chr19:856,137, C>A. VCF-style: chr19-856137-C-A. GRCh37 (hg19) VCF-style: chr19-856137-C-A.
Other names: short protein forms D259E.
Identifiers: ClinVar variation 4618426 (VCV004618426.1).